The following is an entry in ClinVar:

NM_058246.4(DNAJB6):c.304G>A (p.Glu102Lys)

Gene: DNAJB6 (DnaJ heat shock protein family (Hsp40) member B6; plus strand). Cytogenetic location: 7q36.3.
Variant type: single nucleotide variant.
Coding change: c.304G>A on transcript NM_058246.4 (MANE Select); coding-DNA position 304, G replaced by A.
Protein change: p.Glu102Lys; replaces glutamic acid 102 with lysine.
Molecular consequence: missense variant.
Genome position (GRCh38, 1-based): chr7:157,367,441, G>A. VCF-style: chr7-157367441-G-A. GRCh37 (hg19) VCF-style: chr7-157160135-G-A.
Other names: c.304G>A, p.Glu102Lys (NM_001363676.1, NM_005494.3); short protein forms E102K.
Identifiers: ClinVar variation 662068 (VCV000662068.7), dbSNP rs1286507533, ClinGen allele CA370166173.
Genomic context (GRCh38, chr7:157,367,441, plus strand): 5'-CATTTTGACAGTCCATTTGAATTTGGCTTCACATTCCGTAACCCAGATGATGTCTTCAGG[G>A]AATTTTTTGGTGGAAGGGACCCATTTTCATTTGACTTCTTTGGTAAGTTAATCACGTGGG-3'
Protein context (NP_490647.1, residues 92-112): TFRNPDDVFR[Glu102Lys]FFGGRDPFSF

ClinVar aggregate classification (germline): Uncertain significance. Review status: criteria provided, multiple submitters, no conflicts (2 of 4 stars). 2 submissions from 2 submitters: Uncertain significance (2). Last evaluated 2025-02-15.

Conditions:
Autosomal dominant limb-girdle muscular dystrophy type 1D (DNAJB6) (LGMDD1). Also called: Autosomal dominant limb-girdle muscular dystrophy type 1D; MUSCULAR DYSTROPHY, LIMB-GIRDLE, TYPE 1D; Muscular dystrophy, limb-girdle, autosomal dominant 1; MUSCULAR DYSTROPHY, AUTOSOMAL DOMINANT, WITH RIMMED VACUOLES. Identifiers: Orphanet 34516, MedGen C4721885, MONDO:0021018, OMIM 603511.

Allele frequency attached by ClinVar (database versions not stated): gnomAD exomes below 0.00001; TOPMed 0.00001; gnomAD 0.00003.
gnomAD v4.1: 1 of 1,613,590 alleles (0.000062%); highest among the groups gnomAD compares: African/African-American, 0.0013%; no homozygotes.

Submissions (2):

Labcorp Genetics (formerly Invitae), Labcorp
Classification: Uncertain significance for Autosomal dominant limb-girdle muscular dystrophy type 1D (DNAJB6). Last evaluated: 2025-02-15. Review status: criteria provided, single submitter. Criteria: Invitae Variant Classification Sherloc (09022015). Collection method: clinical testing. Allele origin: germline.
Comment: This sequence change replaces glutamic acid, which is acidic and polar, with lysine, which is basic and polar, at codon 102 of the DNAJB6 protein (p.Glu102Lys). This variant is present in population databases (no rsID available, gnomAD 0.01%). This variant has not been reported in the literature in individuals affected with DNAJB6-related conditions. ClinVar contains an entry for this variant (Variation ID: 662068). Invitae Evidence Modeling of protein sequence and biophysical properties (such as structural, functional, and spatial information, amino acid conservation, physicochemical variation, residue mobility, and thermodynamic stability) indicates that this missense variant is expected to disrupt DNAJB6 protein function with a positive predictive value of 80%. In summary, the available evidence is currently insufficient to determine the role of this variant in disease. Therefore, it has been classified as a Variant of Uncertain Significance.

Revvity Omics, Revvity
Classification: Uncertain significance for Autosomal dominant limb-girdle muscular dystrophy type 1D (DNAJB6). Last evaluated: 2025-01-22. Review status: criteria provided, single submitter. Criteria: ACMG Guidelines, 2015. Collection method: clinical testing. Allele origin: germline.